The following is an entry in ClinVar:

ClinVar aggregate classification (germline): Pathogenic/Likely pathogenic. Review status: criteria provided, multiple submitters, no conflicts (2 of 4 stars). 2 submissions from 2 submitters: Pathogenic (1); Likely pathogenic (1). Last evaluated 2025-06-23.

Conditions:
Hereditary hemochromatosis (HFE). Identifiers: MedGen C0392514, MONDO:0006507. Disease mechanism: loss of function.
Hemochromatosis type 3 (HFE3). Also called: TFR2-Related Hemochromatosis; Hereditary hemochromatosis type 3; HEMOCHROMATOSIS DUE TO DEFECT IN TRANSFERRIN RECEPTOR 2. Identifiers: Orphanet 225123, MedGen C1858664, MONDO:0011417, OMIM 604250.

Allele frequency attached by ClinVar (database versions not stated): TOPMed 0.00001; gnomAD exomes below 0.00001 and 0.00001; ExAC 0.00001.
gnomAD v4.1: 2 of 1,613,918 alleles (0.00012%); highest among the groups gnomAD compares: Admixed American, 0.0033%; no homozygotes.

Submissions (2):

Women's Health and Genetics/Laboratory Corporation of America, LabCorp
Classification: Likely pathogenic for Hemochromatosis type 3. Last evaluated: 2025-06-23. Review status: criteria provided, single submitter. Criteria: LabCorp Variant Classification Summary - May 2015. Collection method: clinical testing. Allele origin: germline.
Comment: Variant summary: TFR2 c.1409G>T (p.Ser470Ile) results in a non-conservative amino acid change located in the Peptidase M28 (IPR007484) of the encoded protein sequence. Algorithms developed to predict the effect of missense changes on protein structure and function are either unavailable or do not agree on the potential impact of this missense change. The variant allele was found at a frequency of 8e-06 in 251076 control chromosomes. c.1409G>T has been observed in the homozygous state in individuals affected with Hemochromatosis Type 3 (Khayat_2019, internal data). These data indicate that the variant is likely to be associated with disease. To our knowledge, no experimental evidence demonstrating an impact on protein function has been reported. The following publications have been ascertained in the context of this evaluation (PMID: 29985876). ClinVar contains an entry for this variant (Variation ID: 577309). Based on the evidence outlined above, the variant was classified as likely pathogenic.

Labcorp Genetics (formerly Invitae), Labcorp
Classification: Pathogenic for Hereditary hemochromatosis. Last evaluated: 2024-08-08. Review status: criteria provided, single submitter. Criteria: Invitae Variant Classification Sherloc (09022015). Collection method: clinical testing. Allele origin: germline.
Comment: This sequence change replaces serine, which is neutral and polar, with isoleucine, which is neutral and non-polar, at codon 470 of the TFR2 protein (p.Ser470Ile). This variant is present in population databases (rs772104483, gnomAD 0.006%). This missense change has been observed in individual(s) with hereditary hemochromatosis (Invitae). It has also been observed to segregate with disease in related individuals. ClinVar contains an entry for this variant (Variation ID: 577309). Advanced modeling of protein sequence and biophysical properties (such as structural, functional, and spatial information, amino acid conservation, physicochemical variation, residue mobility, and thermodynamic stability) performed at Invitae indicates that this missense variant is expected to disrupt TFR2 protein function with a positive predictive value of 80%. For these reasons, this variant has been classified as Pathogenic.

Literature cited by the submitters: PubMed 29985876 (cited by Women's Health and Genetics/Laboratory Corporation of America, LabCorp).

NM_003227.4(TFR2):c.1409G>T (p.Ser470Ile)

Gene: TFR2 (transferrin receptor 2; minus strand). Cytogenetic location: 7q22.1.
Variant type: single nucleotide variant.
Coding change: c.1409G>T on transcript NM_003227.4 (MANE Select); coding-DNA position 1409, G replaced by T.
Protein change: p.Ser470Ile; replaces serine 470 with isoleucine.
Molecular consequence: missense variant.
Genome position (GRCh38, 1-based): chr7:100,628,288, C>A on the plus strand (G>T on the coding strand, the complement: TFR2 is on the minus strand). VCF-style: chr7-100628288-C-A. GRCh37 (hg19) VCF-style: chr7-100225911-C-A.
Other names: c.896G>T, p.Ser299Ile (NM_001206855.3); short protein forms S470I, S299I.
Identifiers: ClinVar variation 577309 (VCV000577309.12), dbSNP rs772104483, ClinGen allele CA4386450.
Genomic context (GRCh38, chr7:100,628,288, plus strand): 5'-AGCCACTCCGTGGAGCCCACGCTTCCAAAGTCACCACCGTCCCAGCTGATGAAGAGGAGA[C>A]TTCTGCGGGGCCGGAAGCCTGGGGACAGAGGGGAAGGAGGACAGGCTTAGCAGGGGCCAA-3'
Protein context (NP_003218.2, residues 460-480): MVSNGFRPRR[Ser470Ile]LLFISWDGGD